The following is an entry in ClinVar:

ClinVar aggregate classification (germline): Likely benign (1 of 4 stars; one submission).

Allele frequency attached by ClinVar (database versions not stated): gnomAD 0.00001; gnomAD exomes 0.00001.
gnomAD v4.1: 8 of 1,606,850 alleles (0.0005%); highest among the groups gnomAD compares: Non-Finnish European, 0.00059%; no homozygotes.

Submission:

CeGaT Center for Human Genetics Tuebingen
Classification: Likely benign. Last evaluated: 2025-03-01. Review status: criteria provided, single submitter. Criteria: CeGaT Center For Human Genetics Tuebingen Variant Classification Criteria Version 2. Collection method: clinical testing. Allele origin: germline. Affected: yes. Observed: 2 variant alleles.
Comment: ZNF676: BP4, BP7

NM_001001411.3(ZNF676):c.1245T>C (p.His415=)

Gene: ZNF676 (zinc finger protein 676). Cytogenetic location: 19p12.
Variant type: single nucleotide variant.
Coding change: c.1245T>C on transcript NM_001001411.3 (MANE Select); coding-DNA position 1245, T replaced by C.
Protein change: p.His415=; no amino-acid change (histidine 415 retained).
Molecular consequence: synonymous variant.
Genome position (GRCh38, 1-based): chr19:22,180,472, A>G on the plus strand (T>C on the coding strand, the complement: ZNF676 is on the minus strand). VCF-style: chr19-22180472-A-G. GRCh37 (hg19) VCF-style: chr19-22363274-A-G.
Identifiers: ClinVar variation 2649641 (VCV002649641.24), dbSNP rs201257480, ClinGen allele CA306592863.
Genomic context (GRCh38, chr19:22,180,472, plus strand): 5'-GCTTGAGGACCAGCTGAAGGCTTTGCCACATTCTTCACACTTGTAGGGTTTCTCTCCAGT[A>G]TGAATTCTCTTATGTTCCATGAGCTTTGAGGATGAGTTGGAAGCTTTGCCACATTCTTCA-3'
Protein context (NP_001001411.2, residues 405-425): SSKLMEHKRI[His415=]TGEKPYKCEE